The following is an entry in ClinVar:

ClinVar aggregate classification (germline): Uncertain significance (1 of 4 stars; one submission).

Allele frequency attached by ClinVar (database versions not stated): TOPMed below 0.00001; gnomAD 0.00001.
gnomAD v4.1: 6 of 1,549,896 alleles (0.00039%); highest among the groups gnomAD compares: Non-Finnish European, 0.00052%; no homozygotes.

Submission:

Labcorp Genetics (formerly Invitae), Labcorp
Classification: Uncertain significance. Last evaluated: 2022-01-31. Review status: criteria provided, single submitter. Criteria: Invitae Variant Classification Sherloc (09022015). Collection method: clinical testing. Allele origin: germline.
Comment: In summary, the available evidence is currently insufficient to determine the role of this variant in disease. Therefore, it has been classified as a Variant of Uncertain Significance. Algorithms developed to predict the effect of missense changes on protein structure and function are either unavailable or do not agree on the potential impact of this missense change (SIFT: "Tolerated"; PolyPhen-2: "Probably Damaging"; Align-GVGD: "Class C0"). This variant has not been reported in the literature in individuals affected with PACS2-related conditions. This variant is present in population databases (no rsID available, gnomAD 0.002%). This sequence change replaces glutamic acid, which is acidic and polar, with glutamine, which is neutral and polar, at codon 457 of the PACS2 protein (p.Glu457Gln).

NM_001100913.3(PACS2):c.1369G>C (p.Glu457Gln)

Gene: PACS2 (phosphofurin acidic cluster sorting protein 2; plus strand). Cytogenetic location: 14q32.33.
Variant type: single nucleotide variant.
Coding change: c.1369G>C on transcript NM_001100913.3 (MANE Select); coding-DNA position 1369, G replaced by C.
Protein change: p.Glu457Gln; replaces glutamic acid 457 with glutamine.
Molecular consequence: missense variant.
Genome position (GRCh38, 1-based): chr14:105,382,014, G>C. VCF-style: chr14-105382014-G-C. GRCh37 (hg19) VCF-style: chr14-105848351-G-C.
Other names: c.1144G>C, p.Glu382Gln (NM_001243127.3); c.1369G>C, p.Glu457Gln (NM_015197.4); short protein forms E382Q, E457Q.
Identifiers: ClinVar variation 2040438 (VCV002040438.4), dbSNP rs782260838, ClinGen allele CA391181810.